The following is an entry in ClinVar:

ClinVar aggregate classification (germline): Uncertain significance. Review status: criteria provided, multiple submitters, no conflicts (2 of 4 stars). 2 submissions from 2 submitters: Uncertain significance (2). Last evaluated 2025-05-15.

Conditions:
Amyotrophic lateral sclerosis type 1 (ALS1). Also called: AMYOTROPHIC LATERAL SCLEROSIS 1, FAMILIAL. Identifiers: Orphanet 803, MedGen C1862939, MONDO:0007103, OMIM 105400.
Perry syndrome. Also called: PARKINSONISM WITH ALVEOLAR HYPOVENTILATION AND MENTAL DEPRESSION. Identifiers: Orphanet 178509, MedGen C1868594, MONDO:0008201, OMIM 168605.
Neuronopathy, distal hereditary motor, type 7B. Also called: Distal Hereditary Motor Neuronopathy Type 7B (dHMN7B); NEURONOPATHY, DISTAL HEREDITARY MOTOR, AUTOSOMAL DOMINANT 14; NEURONOPATHY, DISTAL HEREDITARY MOTOR, HARDING TYPE VIIB; NEUROPATHY, DISTAL HEREDITARY MOTOR, HARDING TYPE VIIB; NEUROPATHY, DISTAL HEREDITARY MOTOR, WITH VOCAL CORD PARALYSIS, HARDING TYPE VIIB; LOWER MOTOR NEURON DISEASE, DYNACTIN TYPE. Identifiers: Orphanet 139589, MedGen C1843315, MONDO:0011879, OMIM 607641.

Allele frequency attached by ClinVar (database versions not stated): gnomAD exomes below 0.00001 and 0.00001; gnomAD 0.00001; TOPMed 0.00001.

Submissions (2):

Labcorp Genetics (formerly Invitae), Labcorp
Classification: Uncertain significance for Amyotrophic lateral sclerosis type 1; Neuronopathy, distal hereditary motor, type 7B; Perry syndrome. Last evaluated: 2025-05-15. Review status: criteria provided, single submitter. Criteria: Invitae Variant Classification Sherloc (09022015). Collection method: clinical testing. Allele origin: germline.
Comment: This sequence change replaces serine, which is neutral and polar, with leucine, which is neutral and non-polar, at codon 174 of the DCTN1 protein (p.Ser174Leu). The frequency data for this variant in the population databases is considered unreliable, as metrics indicate poor data quality at this position in the gnomAD database. This missense change has been observed in individual(s) with clinical features of DCTN1 related disorders (PMID: 23143281, 37330543). ClinVar contains an entry for this variant (Variation ID: 424550). Invitae Evidence Modeling of protein sequence and biophysical properties (such as structural, functional, and spatial information, amino acid conservation, physicochemical variation, residue mobility, and thermodynamic stability) indicates that this missense variant is not expected to disrupt DCTN1 protein function with a negative predictive value of 95%. Experimental studies have shown that this missense change does not substantially affect DCTN1 function (PMID: 23143281). In summary, the available evidence is currently insufficient to determine the role of this variant in disease. Therefore, it has been classified as a Variant of Uncertain Significance.

GeneDx
Classification: Uncertain significance. Last evaluated: 2017-03-30. Review status: criteria provided, single submitter. Criteria: GeneDx Variant Classification (06012015). Collection method: clinical testing. Allele origin: germline. Affected: yes.
Comment: The S174L variant in the DCTN1 gene has not been reported previously as a pathogenic variant, nor as a benign variant, to our knowledge. The S174L variant is not observed in large population cohorts (Lek et al., 2016; 1000 Genomes Consortium et al., 2015; Exome Variant Server). The S174L variant is a non-conservative amino acid substitution, which is likely to impact secondary protein structure as these residues differ in polarity, charge, size and/or other properties. This substitution occurs at a position that is conserved across species. In silico analysis is inconsistent in its predictions as to whether or not the variant is damaging to the protein structure/function. We interpret S174L as a variant of uncertain significance.

Literature cited by the submitters: PubMed 23143281 (cited by Labcorp Genetics (formerly Invitae), Labcorp); PubMed 37330543 (cited by Labcorp Genetics (formerly Invitae), Labcorp).

NM_004082.5(DCTN1):c.521C>T (p.Ser174Leu)

Gene: DCTN1 (dynactin subunit 1; minus strand). Cytogenetic location: 2p13.1.
Variant type: single nucleotide variant.
Coding change: c.521C>T on transcript NM_004082.5 (MANE Select); coding-DNA position 521, C replaced by T.
Protein change: p.Ser174Leu; replaces serine 174 with leucine.
Molecular consequence: missense variant. On other transcripts: non-coding transcript variant (1).
Genome position (GRCh38, 1-based): chr2:74,371,661, G>A on the plus strand (C>T on the coding strand, the complement: DCTN1 is on the minus strand). VCF-style: chr2-74371661-G-A. GRCh37 (hg19) VCF-style: chr2-74598788-G-A.
Other names: c.461C>T, p.Ser154Leu (NM_001135040.3); c.119C>T, p.Ser40Leu (NM_001135041.3, NM_023019.4); c.410C>T, p.Ser137Leu (NM_001190836.2); c.500C>T, p.Ser167Leu (NM_001190837.2); c.470C>T, p.Ser157Leu (NM_001378991.1); c.452C>T, p.Ser151Leu (NM_001378992.1); short protein forms S137L, S174L, S40L, S167L, S154L, S151L, S157L.
Identifiers: ClinVar variation 424550 (VCV000424550.10), dbSNP rs1064797035, ClinGen allele CA16617765.
Genomic context (GRCh38, chr2:74,371,661, plus strand): 5'-GGTGCTGCCAGCGGAGTCTGAGCCGGGGTGCTGGGCTCACTGCTGCTCAGCTCACCTGCT[G>A]ACGCTGAGCCAGAGGGGCCCAGGGAGCTACTGGCCCCAGCCACCCCAGTACTGGCTGGGC-3'
Protein context (NP_004073.2, residues 164-184): SSSLGPSGSA[Ser174Leu]AGELSSSEPS